The following is an entry in ClinVar:

ClinVar aggregate classification (germline): Pathogenic (1 of 4 stars; one submission).

Submission:

Labcorp Genetics (formerly Invitae), Labcorp
Classification: Pathogenic. Last evaluated: 2023-12-18. Review status: criteria provided, single submitter. Criteria: Invitae Variant Classification Sherloc (09022015). Collection method: clinical testing. Allele origin: germline.
Comment: This variant results in a copy number gain of the genomic region encompassing exon(s) 12-15 of the PHEX gene. While the exact position of this variant cannot be determined from the data, sub-genic copy number gains are generally in tandem (PMID: 25640679). This variant is predicted to be out-of-frame, and may result in an absent or disrupted protein product. Loss-of-function variants in PHEX are known to be pathogenic (PMID: 9097956, 9106524, 19219621). A similar copy number variant has been observed in individual(s) with hypophosphatemia (Invitae). In at least one individual the variant was observed to be de novo. For these reasons, this variant has been classified as Pathogenic.

Literature cited by the submitters: PubMed 25640679; PubMed 9097956; PubMed 9106524; PubMed 19219621.

NC_000023.10:g.(?_22151620)_(22208639_?)dup

Gene: PHEX (phosphate regulating endopeptidase X-linked; plus strand). Cytogenetic location: Xp22.11.
Variant type: Duplication.
Identifiers: ClinVar variation 2423110 (VCV002423110.4).